The following is an entry in ClinVar:

NC_000005.10:g.(?_149047842)_(149048009_?)del

Gene: SH3TC2 (SH3 domain and tetratricopeptide repeats 2; minus strand). Cytogenetic location: 5q32.
Variant type: Deletion.
Identifiers: ClinVar variation 643156 (VCV000643156.2).

ClinVar aggregate classification (germline): Pathogenic (1 of 4 stars; one submission).

Conditions:
Charcot-Marie-Tooth disease type 4. Also called: Charcot-Marie-Tooth, Type 4; Charcot-Marie-Tooth disease, type IV. Identifiers: Orphanet 64749, MedGen C4082197, MONDO:0018995.

Submission:

Labcorp Genetics (formerly Invitae), Labcorp
Classification: Pathogenic for Charcot-Marie-Tooth disease type 4. Last evaluated: 2018-08-15. Review status: criteria provided, single submitter. Criteria: Invitae Variant Classification Sherloc (09022015). Collection method: clinical testing. Allele origin: germline.
Comment: This variant is an out-of-frame deletion of the genomic region encompassing exon 3 of the SH3TC2 gene. This is expected to create a premature translational stop signal and result in an absent or disrupted protein product. This variant has not been reported in the literature in individuals with SH3TC2-related disease. Loss-of-function variants in SH3TC2 are known to be pathogenic (PMID: 20220177, 27068304). For these reasons, this variant has been classified as Pathogenic.

Literature cited by the submitters: PubMed 20220177; PubMed 27068304.